The following is an entry in ClinVar:

ClinVar aggregate classification (germline): Uncertain significance. Review status: criteria provided, multiple submitters, no conflicts (2 of 4 stars). 3 submissions from 3 submitters: Uncertain significance (3). Last evaluated 2025-09-05.

Conditions:
Congenital muscular dystrophy due to integrin alpha-7 deficiency. Also called: MYOPATHY, CONGENITAL, DUE TO INTEGRIN ALPHA-7 DEFICIENCY; Congenital muscular dystrophy with integrin alpha-7 deficiency; Muscular dystrophy, congenital, due to ITGA7 deficiency. Identifiers: Orphanet 34520, MedGen C2750786, MONDO:0013177, OMIM 613204.

Allele frequency attached by ClinVar (database versions not stated): TOPMed below 0.00001; gnomAD 0.00001.
gnomAD v4.1: 3 of 1,614,060 alleles (0.00019%); highest among the groups gnomAD compares: African/African-American, 0.0027%; no homozygotes.

Submissions (3):

Labcorp Genetics (formerly Invitae), Labcorp
Classification: Uncertain significance for Congenital muscular dystrophy due to integrin alpha-7 deficiency. Last evaluated: 2025-09-05. Review status: criteria provided, single submitter. Criteria: Invitae Variant Classification Sherloc (09022015). Collection method: clinical testing. Allele origin: germline.
Comment: This sequence change replaces threonine, which is neutral and polar, with methionine, which is neutral and non-polar, at codon 776 of the ITGA7 protein (p.Thr776Met). This variant is not present in population databases (gnomAD no frequency). This variant has not been reported in the literature in individuals affected with ITGA7-related conditions. ClinVar contains an entry for this variant (Variation ID: 1376619). Invitae Evidence Modeling of protein sequence and biophysical properties (such as structural, functional, and spatial information, amino acid conservation, physicochemical variation, residue mobility, and thermodynamic stability) indicates that this missense variant is expected to disrupt ITGA7 protein function with a positive predictive value of 80%. In summary, the available evidence is currently insufficient to determine the role of this variant in disease. Therefore, it has been classified as a Variant of Uncertain Significance.

Ambry Genetics
Classification: Uncertain significance. Last evaluated: 2025-03-08. Review status: criteria provided, single submitter. Criteria: Ambry Variant Classification Scheme 2023. Collection method: clinical testing. Allele origin: germline.

Revvity Omics, Revvity
Classification: Uncertain significance for Congenital muscular dystrophy due to integrin alpha-7 deficiency. Last evaluated: 2024-12-26. Review status: criteria provided, single submitter. Criteria: ACMG Guidelines, 2015. Collection method: clinical testing. Allele origin: germline.

NM_002206.3(ITGA7):c.2327C>T (p.Thr776Met)

Genes: ITGA7 (integrin subunit alpha 7; minus strand), LOC126861535 (CDK7 strongly-dependent group 2 enhancer GRCh37_chr12:56087579-56088778; plus strand). Cytogenetic location: 12q13.2.
Variant type: single nucleotide variant.
Coding change: c.2327C>T on transcript NM_002206.3 (MANE Select); coding-DNA position 2327, C replaced by T.
Protein change: p.Thr776Met; replaces threonine 776 with methionine.
Molecular consequence: missense variant.
Genome position (GRCh38, 1-based): chr12:55,694,473, G>A on the plus strand (C>T on the coding strand, the complement: ITGA7 is on the minus strand). VCF-style: chr12-55694473-G-A. GRCh37 (hg19) VCF-style: chr12-56088257-G-A.
Other names: c.2339C>T, p.Thr780Met (NM_001144996.2); c.2048C>T, p.Thr683Met (NM_001144997.2); c.2000C>T, p.Thr667Met (NM_001367993.1); c.983C>T, p.Thr328Met (NM_001367994.1); c.2309C>T, p.Thr770Met (NM_001374465.1); c.2459C>T, p.Thr820Met (NM_001410977.1); c.2321C>T, p.Thr774Met (NM_001414029.1); c.2252C>T, p.Thr751Met (NM_001414030.1); and 6 more; short protein forms T780M, T328M, T776M, T770M, T667M, T683M, T820M, T747M.
Identifiers: ClinVar variation 1376619 (VCV001376619.7), dbSNP rs1872184486, ClinGen allele CA385183136.
Genomic context (GRCh38, chr12:55,694,473, plus strand): 5'-ACCTCACCCTTCCGGCCCCGCCTGGCTTACGTGGCCAACAGCAGCTCTACCTCCAGTTCC[G>A]TGGTCTCAATGCTGATCCCGGAGGTGCTAAGGATGAGGTAGAAGGTGACCTAGGCCAAGG-3'
Protein context (NP_002197.2, residues 766-786): LSTSGISIET[Thr776Met]ELEVELLLAT